The following is an entry in ClinVar:

ClinVar aggregate classification (germline): Uncertain significance (1 of 4 stars; one submission).

Conditions:
Neurodevelopmental disorder. Identifiers: MedGen C1535926, MeSH D065886, MONDO:0700092.

Submission:

Victorian Clinical Genetics Services, Murdoch Childrens Research Institute
Classification: Uncertain significance for Neurodevelopmental disorder. Last evaluated: 2023-07-17. Review status: criteria provided, single submitter. Criteria: ACMG Guidelines, 2015. Collection method: clinical testing. Allele origin: germline. Inheritance: Autosomal dominant inheritance. Affected: yes.
Comment: Based on the classification scheme VCGS_Germline_v1.3.4, this variant is classified as VUS-3B. Following criteria are met: 0102 - Loss of function is a suggested mechanism of disease in this gene and is associated with neurodevelopmental disorder (MONDO#0700092), GIGYF1-related (PMID: 35917186). (I) 0107 - This gene is associated with autosomal dominant disease. (I) 0200 - Variant is predicted to result in a missense amino acid change from aspartic acid to tyrosine. (I) 0251 - This variant is heterozygous. (I) 0301 - Variant is absent from gnomAD (both v2 and v3). (SP) 0309 - Multiple alternative amino acid changes at the same position have been observed in gnomAD (v2 and v3 (non-v2)) (highest allele count: 2 heterozygotes, 0 homozygotes). (I) 0501 - Missense variant consistently predicted to be damaging by multiple in silico tools or highly conserved with a major amino acid change. (SP) 0604 - Variant is not located in an established domain, motif, hotspot or informative constraint region. (I) 0705 - No comparable missense variants have previous evidence for pathogenicity. (I) 0807 - This variant has no previous evidence of pathogenicity. (I) 0905 - No published segregation evidence has been identified for this variant. (I) 1007 - No published functional evidence has been identified for this variant. (I) 1207 - Parental origin of the variant is unresolved. (I) Legend: (SP) - Supporting pathogenic, (I) - Information, (SB) - Supporting benign

Literature cited by the submitters: PubMed 35917186.

NM_001375765.1(GIGYF1):c.1939G>T (p.Asp647Tyr)

Gene: GIGYF1 (GRB10 interacting GYF protein 1; minus strand). Cytogenetic location: 7q22.1.
Variant type: single nucleotide variant.
Coding change: c.1939G>T on transcript NM_001375765.1 (MANE Select); coding-DNA position 1939, G replaced by T.
Protein change: p.Asp647Tyr; replaces aspartic acid 647 with tyrosine.
Molecular consequence: missense variant. On other transcripts: non-coding transcript variant (1).
Genome position (GRCh38, 1-based): chr7:100,683,848, C>A on the plus strand (G>T on the coding strand, the complement: GIGYF1 is on the minus strand). VCF-style: chr7-100683848-C-A. GRCh37 (hg19) VCF-style: chr7-100281471-C-A.
Other names: NM_022574.5:c.1939G>T; c.1939G>T, p.Asp647Tyr (NM_001375759.1, NM_001375760.1, NM_001375761.1 and 6 more transcripts); short protein forms D647Y.
Identifiers: ClinVar variation 3255157 (VCV003255157.1), dbSNP rs568336617.